The following is an entry in ClinVar:

NM_000179.3(MSH6):c.3261_3305del (p.Leu1089_Phe1103del)

Gene: MSH6 (mutS homolog 6; plus strand). Cytogenetic location: 2p16.3.
Variant type: Deletion.
Coding change: c.3261_3305del on transcript NM_000179.3 (MANE Select); coding-DNA positions 3261 to 3305, 45 bases deleted.
Protein change: p.Leu1089_Phe1103del.
Molecular consequence: inframe deletion. On other transcripts: non-coding transcript variant (5), intron variant (1).
Genome position (GRCh38, 1-based): chr2:47,803,508-47,803,552, 45 bases deleted; deleting any 45 consecutive bases within chr2:47,803,507-47,803,552 gives the same sequence; the c. name uses the placement nearest the transcript's 3' end. GRCh37 (hg19): chr2:48,030,647-48,030,691.
Other names: c.2871_2915del, p.Leu959_Phe973del (NM_001281492.2); c.2355_2399del, p.Leu787_Phe801del (NM_001281493.2, NM_001281494.2, NM_001406811.1 and 6 more transcripts); c.3357_3401del, p.Leu1121_Phe1135del (NM_001406795.1, NM_001406802.1); c.3261_3305del, p.Leu1089_Phe1103del (NM_001406796.1, NM_001406800.1, NM_001406808.1 and 1 more transcripts); c.2964_3008del, p.Leu990_Phe1004del (NM_001406797.1, NM_001406801.1, NM_001406805.1 and 10 more transcripts); c.2736_2780del, p.Leu914_Phe928del (NM_001406799.1, NM_001406806.1, NM_001406807.1); c.2397_2441del, p.Leu801_Phe815del (NM_001406803.1); c.3183_3227del, p.Leu1063_Phe1077del (NM_001406804.1); and 7 more.
Identifiers: ClinVar variation 3076146 (VCV003076146.1), dbSNP rs2530763839, ClinGen allele CA2825001121.

ClinVar aggregate classification (germline): Uncertain significance (1 of 4 stars; one submission).

Conditions:
Hereditary cancer-predisposing syndrome. Also called: Neoplastic Syndromes, Hereditary; Tumor predisposition; Hereditary neoplastic syndrome; Hereditary Cancer Syndrome. Identifiers: Orphanet 140162, MedGen C0027672, MeSH D009386, MONDO:0015356.

Submission:

Ambry Genetics
Classification: Uncertain significance for Hereditary cancer-predisposing syndrome. Last evaluated: 2017-10-16. Review status: criteria provided, single submitter. Criteria: Ambry Variant Classification Scheme 2023. Collection method: clinical testing. Allele origin: germline.
Comment: The c.3261_3305del45 (p.L1089_F1103DEL) alteration is located in exon 5 (coding exon 5) of the MSH6 gene. This alteration consists of an in-frame deletion of 45 nucleotides between nucleotide positions c.3261 and c.3305, resulting in the deletion of <NA> residues. Based on insufficient or conflicting evidence, the clinical significance of this alteration remains unclear.